The following is an entry in ClinVar:

NM_030928.4(CDT1):c.1010T>C (p.Val337Ala)

Gene: CDT1 (chromatin licensing and DNA replication factor 1; plus strand). Cytogenetic location: 16q24.3.
Variant type: single nucleotide variant.
Coding change: c.1010T>C on transcript NM_030928.4 (MANE Select); coding-DNA position 1010, T replaced by C.
Protein change: p.Val337Ala; replaces valine 337 with alanine.
Molecular consequence: missense variant.
Genome position (GRCh38, 1-based): chr16:88,806,562, T>C. VCF-style: chr16-88806562-T-C. GRCh37 (hg19) VCF-style: chr16-88872970-T-C.
Other names: short protein forms V337A.
Identifiers: ClinVar variation 1479877 (VCV001479877.6), dbSNP rs1156943864, ClinGen allele CA397079288.

ClinVar aggregate classification (germline): Uncertain significance (1 of 4 stars; one submission).

Allele frequency attached by ClinVar (database versions not stated): gnomAD 0.00002 and 0.00001; TOPMed 0.00002; gnomAD exomes below 0.00001 and 0.00001.
gnomAD v4.1: 11 of 1,609,526 alleles (0.00068%); highest among the groups gnomAD compares: Non-Finnish European, 0.00093%; no homozygotes.

Submission:

Labcorp Genetics (formerly Invitae), Labcorp
Classification: Uncertain significance. Last evaluated: 2021-12-04. Review status: criteria provided, single submitter. Criteria: Invitae Variant Classification Sherloc (09022015). Collection method: clinical testing. Allele origin: germline.
Comment: Algorithms developed to predict the effect of missense changes on protein structure and function (SIFT, PolyPhen-2, Align-GVGD) all suggest that this variant is likely to be disruptive. This sequence change replaces valine, which is neutral and non-polar, with alanine, which is neutral and non-polar, at codon 337 of the CDT1 protein (p.Val337Ala). This variant is present in population databases (no rsID available, gnomAD 0.002%). This variant has not been reported in the literature in individuals affected with CDT1-related conditions. In summary, the available evidence is currently insufficient to determine the role of this variant in disease. Therefore, it has been classified as a Variant of Uncertain Significance.